The following is an entry in ClinVar:

ClinVar aggregate classification (germline): Likely benign. Review status: criteria provided, multiple submitters, no conflicts (2 of 4 stars). 3 submissions from 3 submitters: Likely benign (3). Last evaluated 2026-01-24.

Conditions:
Nemaline myopathy 2 (NEM2). Also called: Nemaline myopathy 2, autosomal recessive. Identifiers: MedGen C1850569, MONDO:0009725, OMIM 256030.

Allele frequency attached by ClinVar (database versions not stated): ESP Exome Variant Server 0.00008; gnomAD exomes 0.00009 and 0.00023; gnomAD 0.00021 and 0.00025; TOPMed 0.00028; ExAC 0.00029; 1000 Genomes Project 30x 0.00094; 1000 Genomes Project 0.00120.
gnomAD v4.1: 177 of 1,552,034 alleles (0.011%); highest among the groups gnomAD compares: East Asian, 0.099%; no homozygotes.

Submissions (3):

Labcorp Genetics (formerly Invitae), Labcorp
Classification: Likely benign for Nemaline myopathy 2. Last evaluated: 2026-01-24. Review status: criteria provided, single submitter. Criteria: Invitae Variant Classification Sherloc (09022015). Collection method: clinical testing. Allele origin: germline.

Blueprint Genetics
Classification: Likely benign. Last evaluated: 2024-09-18. Review status: criteria provided, single submitter. Criteria: ACMG Guidelines, 2015. Collection method: clinical testing. Allele origin: germline.

GeneDx
Classification: Likely benign. Last evaluated: 2016-01-26. Review status: criteria provided, single submitter. Criteria: GeneDx Variant Classification (06012015). Collection method: clinical testing. Allele origin: germline. Affected: yes.
Comment: This variant is considered likely benign or benign based on one or more of the following criteria: it is a conservative change, it occurs at a poorly conserved position in the protein, it is predicted to be benign by multiple in silico algorithms, and/or has population frequency not consistent with disease.

NM_001164508.2(NEB):c.23242-15G>A

Genes: NEB (nebulin; minus strand), RIF1 (replication timing regulatory factor 1; plus strand). Cytogenetic location: 2q23.3.
Variant type: single nucleotide variant.
Coding change: c.23242-15G>A on transcript NM_001164508.2 (MANE Select); 15 bases into the intron before coding-DNA position 23242, G replaced by A.
Molecular consequence: intron variant.
Genome position (GRCh38, 1-based): chr2:151,512,852, C>T on the plus strand (G>A on the coding strand, the complement: NEB is on the minus strand). VCF-style: chr2-151512852-C-T. GRCh37 (hg19) VCF-style: chr2-152369366-C-T.
Other names: c.18139-15G>A (NM_004543.5); c.23242-15G>A (NM_001164507.2); c.23347-15G>A (NM_001271208.2).
Identifiers: ClinVar variation 382917 (VCV000382917.10), dbSNP rs370467068, ClinGen allele CA1906401.
Genomic context (GRCh38, chr2:151,512,852, plus strand): 5'-AAGTGAAATTGGCTTTCTCCATTTCTGCTGATTGCTTATACTTAATCTGTAAAACAACAC[C>T]GAATAGTTGGGTAAATGTTTGCAATGTGCACAACAGTTGTTGGCTTGATTTGATTAAGAG-3'